The following is an entry in ClinVar:

ClinVar aggregate classification (germline): Uncertain significance. Review status: criteria provided, multiple submitters, no conflicts (2 of 4 stars). 2 submissions from 2 submitters: Uncertain significance (2). Last evaluated 2023-11-28.

Conditions:
Alzheimer disease 3 (AD3). Also called: ALZHEIMER DISEASE, FAMILIAL, 3. Identifiers: Orphanet 1020, MedGen C1843013, MONDO:0011913, OMIM 607822.
Frontotemporal dementia (FTD1). Also called: Dementia, frontotemporal, with or without parkinsonism; Frontotemporal Dementia with Parkinsonism-17 (FTDP-17); Frontotemporal lobe dementia (FLDEM); FRONTOTEMPORAL DEMENTIA WITH PARKINSONISM; FRONTOTEMPORAL LOBE DEMENTIA; MULTIPLE SYSTEM TAUOPATHY WITH PRESENILE DEMENTIA. Identifiers: Orphanet 282, MedGen C0338451, MONDO:0017276, OMIM 600274, HP:0002145.
Acne inversa, familial, 3 (ACNINV3). Identifiers: MedGen C3151038, MONDO:0013398, OMIM 613737.
Pick disease. Also called: PICK DISEASE OF BRAIN; DEMENTIA WITH LOBAR ATROPHY AND NEURONAL CYTOPLASMIC INCLUSIONS; Pick's disease; Pick Disease of the Brain; LOBAR ATROPHY OF BRAIN. Identifiers: Orphanet 282, MedGen C0236642, MONDO:0008243, OMIM 172700.

Submissions (2):

Labcorp Genetics (formerly Invitae), Labcorp
Classification: Uncertain significance for Alzheimer disease 3; Pick disease; Acne inversa, familial, 3; Frontotemporal dementia. Last evaluated: 2023-11-28. Review status: criteria provided, single submitter. Criteria: Invitae Variant Classification Sherloc (09022015). Collection method: clinical testing. Allele origin: germline.
Comment: This sequence change replaces phenylalanine, which is neutral and non-polar, with valine, which is neutral and non-polar, at codon 386 of the PSEN1 protein (p.Phe386Val). This variant is not present in population databases (gnomAD no frequency). This missense change has been observed in individual(s) with clinical features of Alzheimer disease (Invitae). Advanced modeling of protein sequence and biophysical properties (such as structural, functional, and spatial information, amino acid conservation, physicochemical variation, residue mobility, and thermodynamic stability) performed at Invitae indicates that this missense variant is expected to disrupt PSEN1 protein function with a positive predictive value of 80%. This variant disrupts the p.Phe386 amino acid residue in PSEN1. Other variant(s) that disrupt this residue have been observed in individuals with PSEN1-related conditions (PMID: 16033913, 24559647, 27816212, 34901437), which suggests that this may be a clinically significant amino acid residue. In summary, the available evidence is currently insufficient to determine the role of this variant in disease. Therefore, it has been classified as a Variant of Uncertain Significance.

Neuberg Centre For Genomic Medicine, NCGM
Classification: Uncertain significance for Alzheimer disease 3. Review status: criteria provided, single submitter. Criteria: ACMG Guidelines, 2015. Collection method: clinical testing. Allele origin: germline. Inheritance: Autosomal dominant inheritance. Affected: yes.
Comment: The missense c.1156T>G (p.Phe386Val) variant in PSEN1 gene has not been reported previously as a pathogenic variant nor as a benign variant, to our knowledge. The variant is novel (not in any individuals) in gnomAD Exomes and 1000 Genomes. The amino acid Phe at position 386 is changed to a Val changing protein sequence and it might alter its composition and physico-chemical properties. The amino acid change p.Phe386Val in PSEN1 is predicted as conserved by GERP++ and PhyloP across 100 vertebrates. For these reasons, this variant has been classified as Uncertain Significance.

Literature cited by the submitters: PubMed 16033913 (cited by Labcorp Genetics (formerly Invitae), Labcorp); PubMed 24559647 (cited by Labcorp Genetics (formerly Invitae), Labcorp); PubMed 27816212 (cited by Labcorp Genetics (formerly Invitae), Labcorp); PubMed 34901437 (cited by Labcorp Genetics (formerly Invitae), Labcorp).

NM_000021.4(PSEN1):c.1156T>G (p.Phe386Val)

Gene: PSEN1 (presenilin 1; plus strand). Cytogenetic location: 14q24.2.
Variant type: single nucleotide variant.
Coding change: c.1156T>G on transcript NM_000021.4 (MANE Select); coding-DNA position 1156, T replaced by G.
Protein change: p.Phe386Val; replaces phenylalanine 386 with valine.
Molecular consequence: missense variant.
Genome position (GRCh38, 1-based): chr14:73,217,152, T>G. VCF-style: chr14-73217152-T-G. GRCh37 (hg19) VCF-style: chr14-73683860-T-G.
Other names: c.1144T>G, p.Phe382Val (NM_007318.3); short protein forms F382V, F386V.
Identifiers: ClinVar variation 2585155 (VCV002585155.4), dbSNP rs2503026566, ClinGen allele CA390305747.